The following is an entry in ClinVar:

NM_000257.4(MYH7):c.4435A>G (p.Thr1479Ala)

Genes: MHRT (myosin heavy chain associated RNA transcript; plus strand), MYH7 (myosin heavy chain 7; minus strand). Cytogenetic location: 14q11.2.
Variant type: single nucleotide variant.
Coding change: c.4435A>G on transcript NM_000257.4 (MANE Select); coding-DNA position 4435, A replaced by G.
Protein change: p.Thr1479Ala; replaces threonine 1479 with alanine.
Molecular consequence: missense variant. On other transcripts: non-coding transcript variant (1).
Genome position (GRCh38, 1-based): chr14:23,417,237, T>C on the plus strand (A>G on the coding strand, the complement: MYH7 is on the minus strand). VCF-style: chr14-23417237-T-C. GRCh37 (hg19) VCF-style: chr14-23886446-T-C.
Other names: short protein forms T1479A.
Identifiers: ClinVar variation 1510468 (VCV001510468.7), dbSNP rs752867429, ClinGen allele CA042253.

ClinVar aggregate classification (germline): Uncertain significance. Review status: criteria provided, multiple submitters, no conflicts (2 of 4 stars). 2 submissions from 2 submitters: Uncertain significance (2). Last evaluated 2025-02-05.

Conditions:
Cardiomyopathy (CMYO). Also called: Cardiomyopathies. Identifiers: Orphanet 167848, MedGen C0878544, MONDO:0004994, HP:0001638. Inheritance: Various modes of inheritance.
Hypertrophic cardiomyopathy. Also called: HYPERTROPHIC MYOCARDIOPATHY. Identifiers: Orphanet 217569, MedGen C0007194, MeSH D002312, MONDO:0005045, HP:0001639.

Allele frequency attached by ClinVar (database versions not stated): gnomAD 0.00001; TOPMed 0.00001; ExAC 0.00002; gnomAD exomes 0.00002 and 0.00003.
gnomAD v4.1: 41 of 1,614,080 alleles (0.0025%); highest among the groups gnomAD compares: South Asian, 0.025%; 1 homozygote.

Submissions (2):

Labcorp Genetics (formerly Invitae), Labcorp
Classification: Uncertain significance for Hypertrophic cardiomyopathy. Last evaluated: 2025-02-05. Review status: criteria provided, single submitter. Criteria: Invitae Variant Classification Sherloc (09022015). Collection method: clinical testing. Allele origin: germline.
Comment: This sequence change replaces threonine, which is neutral and polar, with alanine, which is neutral and non-polar, at codon 1479 of the MYH7 protein (p.Thr1479Ala). This variant is present in population databases (rs752867429, gnomAD 0.02%). This missense change has been observed in individual(s) with dilated cardiomyopathy (PMID: 31983221, 37652022). ClinVar contains an entry for this variant (Variation ID: 1510468). Invitae Evidence Modeling of protein sequence and biophysical properties (such as structural, functional, and spatial information, amino acid conservation, physicochemical variation, residue mobility, and thermodynamic stability) indicates that this missense variant is expected to disrupt MYH7 protein function with a positive predictive value of 95%. In summary, the available evidence is currently insufficient to determine the role of this variant in disease. Therefore, it has been classified as a Variant of Uncertain Significance.

All of Us Research Program, National Institutes of Health
Classification: Uncertain significance for Cardiomyopathy. Last evaluated: 2023-03-28. Review status: criteria provided, single submitter. Criteria: ACMG Guidelines, 2015. Collection method: clinical testing. Allele origin: germline. Inheritance: Autosomal dominant inheritance. Observed: 1 variant allele, 1 heterozygote.
Comment: This study involves interpretation of variants in research participants for the purpose of population health screening. Participant phenotype was not available at the time of variant classification. Additional details can be found in publication PMID: 35346344, PMCID: PMC8962531

Literature cited by the submitters: PubMed 31983221 (cited by Labcorp Genetics (formerly Invitae), Labcorp); PubMed 37652022 (cited by Labcorp Genetics (formerly Invitae), Labcorp).